The following is an entry in ClinVar:

NM_016169.4(SUFU):c.9G>C (p.Glu3Asp)

Genes: SUFU (SUFU negative regulator of hedgehog signaling; plus strand), LOC130004614 (ATAC-STARR-seq lymphoblastoid silent region 2764; plus strand). Cytogenetic location: 10q24.32.
Variant type: single nucleotide variant.
Coding change: c.9G>C on transcript NM_016169.4 (MANE Select); coding-DNA position 9, G replaced by C.
Protein change: p.Glu3Asp; replaces glutamic acid 3 with aspartic acid.
Molecular consequence: missense variant.
Genome position (GRCh38, 1-based): chr10:102,504,161, G>C. VCF-style: chr10-102504161-G-C. GRCh37 (hg19) VCF-style: chr10-104263918-G-C.
Other names: c.9G>C, p.Glu3Asp (NM_001178133.2); short protein forms E3D.
Identifiers: ClinVar variation 3590249 (VCV003590249.2).

ClinVar aggregate classification (germline): Uncertain significance. Review status: criteria provided, multiple submitters, no conflicts (2 of 4 stars). 2 submissions from 2 submitters: Uncertain significance (2). Last evaluated 2024-12-26.

Conditions:
Hereditary cancer-predisposing syndrome. Also called: Hereditary Cancer Syndrome; Hereditary neoplastic syndrome; Neoplastic Syndromes, Hereditary; Tumor predisposition. Identifiers: Orphanet 140162, MedGen C0027672, MeSH D009386, MONDO:0015356.
Familial meningioma. Also called: Meningioma, familial, susceptibility to. Identifiers: Orphanet 263662, MedGen C3551915, MONDO:0011789, OMIM 607174.
Basal cell nevus syndrome 2 (BCNS2). Also called: NEVOID BASAL CELL CARCINOMA SYNDROME 2. Identifiers: MedGen C5830451, MONDO:0958189, OMIM 620343.
Medulloblastoma (MDB). Also called: MEDULLOBLASTOMA PREDISPOSITION SYNDROME; Medulloblastoma, somatic. Identifiers: Orphanet 616, MedGen C0025149, MeSH D008527, MONDO:0007959, OMIM 155255, HP:0002885.
Joubert syndrome 32 (JBTS32). Identifiers: MedGen C4540342, MONDO:0033309, OMIM 617757.

Submissions (2):

Ambry Genetics
Classification: Uncertain significance for Hereditary cancer-predisposing syndrome. Last evaluated: 2024-12-26. Review status: criteria provided, single submitter. Criteria: Ambry Variant Classification Scheme 2023. Collection method: clinical testing. Allele origin: germline.
Comment: The p.E3D variant (also known as c.9G>C), located in coding exon 1 of the SUFU gene, results from a G to C substitution at nucleotide position 9. The glutamic acid at codon 3 is replaced by aspartic acid, an amino acid with highly similar properties. This amino acid position is conserved. In addition, this alteration is predicted to be tolerated by in silico analysis. Based on the available evidence, the clinical significance of this variant remains unclear.

Fulgent Genetics
Classification: Uncertain significance for Medulloblastoma; Familial meningioma; Joubert syndrome 32; Basal cell nevus syndrome 2. Last evaluated: 2024-03-14. Review status: criteria provided, single submitter. Criteria: ACMG Guidelines, 2015. Collection method: clinical testing. Allele origin: germline.